The following is an entry in ClinVar:

NM_001142864.4(PIEZO1):c.5515G>A (p.Glu1839Lys)

Gene: PIEZO1 (piezo type mechanosensitive ion channel component 1 (Er blood group); minus strand). Cytogenetic location: 16q24.3.
Variant type: single nucleotide variant.
Coding change: c.5515G>A on transcript NM_001142864.4 (MANE Select); coding-DNA position 5515, G replaced by A.
Protein change: p.Glu1839Lys; replaces glutamic acid 1839 with lysine.
Molecular consequence: missense variant.
Genome position (GRCh38, 1-based): chr16:88,721,319, C>T on the plus strand (G>A on the coding strand, the complement: PIEZO1 is on the minus strand). VCF-style: chr16-88721319-C-T. GRCh37 (hg19) VCF-style: chr16-88787727-C-T.
Other names: p.Glu1839Lys; short protein forms E1839K.
Identifiers: ClinVar variation 811621 (VCV000811621.41), dbSNP rs77170706, ClinGen allele CA8231858.

ClinVar aggregate classification (germline): Benign. Review status: criteria provided, multiple submitters, no conflicts (2 of 4 stars). 4 submissions from 4 submitters: Benign (4). Last evaluated 2026-01-06.

Allele frequency attached by ClinVar (database versions not stated): ESP Exome Variant Server 0.00088; TOPMed 0.00272; ExAC 0.01658; 1000 Genomes Project 0.02097; 1000 Genomes Project 30x 0.02155.
gnomAD v4.1: 8,364 of 1,546,264 alleles (0.54%); highest among the groups gnomAD compares: East Asian, 5.4%; 172 homozygotes.

Submissions (4):

Labcorp Genetics (formerly Invitae), Labcorp
Classification: Benign. Last evaluated: 2026-01-06. Review status: criteria provided, single submitter. Criteria: Invitae Variant Classification Sherloc (09022015). Collection method: clinical testing. Allele origin: germline.

ARUP Laboratories, Molecular Genetics and Genomics, ARUP Laboratories
Classification: Benign. Last evaluated: 2024-10-04. Review status: criteria provided, single submitter. Criteria: ARUP Molecular Germline Variant Investigation Process 2024. Collection method: clinical testing. Allele origin: germline.

CeGaT Center for Human Genetics Tuebingen
Classification: Benign. Last evaluated: 2024-07-01. Review status: criteria provided, single submitter. Criteria: CeGaT Center For Human Genetics Tuebingen Variant Classification Criteria Version 2. Collection method: clinical testing. Allele origin: germline. Affected: yes. Observed: 3 variant alleles.
Comment: PIEZO1: BP4, BS1, BS2

Mayo Clinic Laboratories, Mayo Clinic
Classification: Benign. Last evaluated: 2016-04-27. Review status: criteria provided, single submitter. Criteria: ACMG Guidelines, 2015. Collection method: clinical testing. Allele origin: germline. Observed: 15 variant alleles.